The following is an entry in ClinVar:

ClinVar aggregate classification (germline): Uncertain significance (1 of 4 stars; one submission).

Submission:

Labcorp Genetics (formerly Invitae), Labcorp
Classification: Uncertain significance. Last evaluated: 2025-01-30. Review status: criteria provided, single submitter. Criteria: Invitae Variant Classification Sherloc (09022015). Collection method: clinical testing. Allele origin: germline.
Comment: This sequence change replaces arginine, which is basic and polar, with glutamine, which is neutral and polar, at codon 195 of the ZNF513 protein (p.Arg195Gln). This variant is not present in population databases (gnomAD no frequency). This variant has not been reported in the literature in individuals affected with ZNF513-related conditions. An algorithm developed to predict the effect of missense changes on protein structure and function (PolyPhen-2) suggests that this variant is likely to be disruptive. In summary, the available evidence is currently insufficient to determine the role of this variant in disease. Therefore, it has been classified as a Variant of Uncertain Significance.

NM_144631.6(ZNF513):c.584G>A (p.Arg195Gln)

Gene: ZNF513 (zinc finger protein 513; minus strand). Cytogenetic location: 2p23.3.
Variant type: single nucleotide variant.
Coding change: c.584G>A on transcript NM_144631.6 (MANE Select); coding-DNA position 584, G replaced by A.
Protein change: p.Arg195Gln; replaces arginine 195 with glutamine.
Molecular consequence: missense variant.
Genome position (GRCh38, 1-based): chr2:27,378,682, C>T on the plus strand (G>A on the coding strand, the complement: ZNF513 is on the minus strand). VCF-style: chr2-27378682-C-T. GRCh37 (hg19) VCF-style: chr2-27601549-C-T.
Other names: c.398G>A, p.Arg133Gln (NM_001201459.2); short protein forms R133Q, R195Q.
Identifiers: ClinVar variation 4704714 (VCV004704714.1).